The following is an entry in ClinVar:

ClinVar aggregate classification (germline): Uncertain significance (1 of 4 stars; one submission).

Conditions:
Dilated cardiomyopathy 1KK (CMD1KK). Identifiers: Orphanet 154, Orphanet 75249, MedGen C3714995, MONDO:0014100, OMIM 615248.

Submission:

Labcorp Genetics (formerly Invitae), Labcorp
Classification: Uncertain significance for Dilated cardiomyopathy 1KK. Last evaluated: 2022-03-18. Review status: criteria provided, single submitter. Criteria: Invitae Variant Classification Sherloc (09022015). Collection method: clinical testing. Allele origin: germline.
Comment: This sequence change replaces asparagine, which is neutral and polar, with lysine, which is basic and polar, at codon 1180 of the MYPN protein (p.Asn1180Lys). This variant is not present in population databases (gnomAD no frequency). This variant has not been reported in the literature in individuals affected with MYPN-related conditions. Algorithms developed to predict the effect of missense changes on protein structure and function are either unavailable or do not agree on the potential impact of this missense change (SIFT: "Deleterious"; PolyPhen-2: "Probably Damaging"; Align-GVGD: "Class C0"). In summary, the available evidence is currently insufficient to determine the role of this variant in disease. Therefore, it has been classified as a Variant of Uncertain Significance.

NM_032578.4(MYPN):c.3540C>A (p.Asn1180Lys)

Gene: MYPN (myopalladin; plus strand). Cytogenetic location: 10q21.3.
Variant type: single nucleotide variant.
Coding change: c.3540C>A on transcript NM_032578.4 (MANE Select); coding-DNA position 3540, C replaced by A.
Protein change: p.Asn1180Lys; replaces asparagine 1180 with lysine.
Molecular consequence: missense variant. On other transcripts: non-coding transcript variant (2).
Genome position (GRCh38, 1-based): chr10:68,201,875, C>A. VCF-style: chr10-68201875-C-A. GRCh37 (hg19) VCF-style: chr10-69961632-C-A.
Other names: c.3540C>A, p.Asn1180Lys (NM_001256267.2); c.2658C>A, p.Asn886Lys (NM_001256268.2); short protein forms N886K, N1180K.
Identifiers: ClinVar variation 1423838 (VCV001423838.6), dbSNP rs2134311033, ClinGen allele CA376859981.